The following is an entry in ClinVar:

NM_001378452.1(ITPR1):c.1813C>A (p.Leu605Ile)

Gene: ITPR1 (inositol 1,4,5-trisphosphate receptor type 1; plus strand). Cytogenetic location: 3p26.1.
Variant type: single nucleotide variant.
Coding change: c.1813C>A on transcript NM_001378452.1 (MANE Select); coding-DNA position 1813, C replaced by A.
Protein change: p.Leu605Ile; replaces leucine 605 with isoleucine.
Molecular consequence: missense variant.
Genome position (GRCh38, 1-based): chr3:4,667,476, C>A. VCF-style: chr3-4667476-C-A. GRCh37 (hg19) VCF-style: chr3-4709160-C-A.
Other names: c.1813C>A, p.Leu605Ile (NM_001099952.4); c.1768C>A, p.Leu590Ile (NM_001168272.2, NM_002222.7); short protein forms L590I, L605I.
Identifiers: ClinVar variation 2684235 (VCV002684235.2), dbSNP rs1064796252, ClinGen allele CA351643070.

ClinVar aggregate classification (germline): Uncertain significance (1 of 4 stars; one submission).

Submission:

Athena Diagnostics
Classification: Uncertain significance. Last evaluated: 2024-03-15. Review status: criteria provided, single submitter. Criteria: Athena Diagnostics Criteria. Collection method: clinical testing. Allele origin: unknown.
Comment: Available data are insufficient to determine the clinical significance of the variant at this time. This variant has not been reported in large, multi-ethnic general populations. Computational tools disagree on the variant's effect on normal protein function.